The following is an entry in ClinVar:

ClinVar aggregate classification (germline): Uncertain significance (1 of 4 stars; one submission).

Conditions:
SLC2A9-related disorder. Also called: SLC2A9-related condition.

gnomAD v4.1: 5 of 1,550,940 alleles (0.00032%); highest among the groups gnomAD compares: Non-Finnish European, 0.00044%; no homozygotes.

Submission:

PreventionGenetics, part of Exact Sciences
Classification: Uncertain significance for SLC2A9-related condition. Last evaluated: 2025-07-23. Review status: criteria provided, single submitter. Criteria: ACMG Guidelines, 2015. Collection method: clinical testing. Allele origin: germline.
Comment: The SLC2A9 c.152A>C variant is predicted to result in the amino acid substitution p.Asp51Ala. To our knowledge, this variant has not been reported in the literature or in a large population database (gnomAD), indicating this variant is rare. At this time, the clinical significance of this variant is uncertain due to the absence of conclusive functional and genetic evidence.

NM_020041.3(SLC2A9):c.152A>C (p.Asp51Ala)

Genes: SLC2A9 (solute carrier family 2 member 9; minus strand), SLC2A9-AS3 (SLC2A9 antisense RNA 3; plus strand). Cytogenetic location: 4p16.1.
Variant type: single nucleotide variant.
Coding change: c.152A>C on transcript NM_020041.3 (MANE Select); coding-DNA position 152, A replaced by C.
Protein change: p.Asp51Ala; replaces aspartic acid 51 with alanine.
Molecular consequence: missense variant.
Genome position (GRCh38, 1-based): chr4:10,019,072, T>G on the plus strand (A>C on the coding strand, the complement: SLC2A9 is on the minus strand). VCF-style: chr4-10019072-T-G. GRCh37 (hg19) VCF-style: chr4-10020696-T-G.
Other names: c.65A>C, p.Asp22Ala (NM_001001290.2); short protein forms D22A, D51A.
Identifiers: ClinVar variation 4984830 (VCV004984830.1).
Genomic context (GRCh38, chr4:10,019,072, plus strand): 5'-TAGAGGAAGGAGGAGCCGAAGGCGCCCGCGAGGGAGGCCACGAGGAGCGAGCAGGACCAG[T>G]CCTGAGGGGAGAGGAAACCACGTCAGAGCCGGCACCGGGCGCGCAGCCAGGGCCGAGGGA-3'
Protein context (NP_064425.2, residues 41-61): SGVPGGRRRK[Asp51Ala]WSCSLLVASL